The following is an entry in ClinVar:

NM_153682.3(PIGP):c.239G>A (p.Ser80Asn)

Gene: PIGP (phosphatidylinositol glycan anchor biosynthesis class P; minus strand). Cytogenetic location: 21q22.13.
Variant type: single nucleotide variant.
Coding change: c.239G>A on transcript NM_153682.3 (MANE Select); coding-DNA position 239, G replaced by A.
Protein change: p.Ser80Asn; replaces serine 80 with asparagine.
Molecular consequence: missense variant.
Genome position (GRCh38, 1-based): chr21:37,067,297, C>T on the plus strand (G>A on the coding strand, the complement: PIGP is on the minus strand). VCF-style: chr21-37067297-C-T. GRCh37 (hg19) VCF-style: chr21-38439597-C-T.
Other names: c.239G>A, p.Ser80Asn (NM_001320480.2); c.161G>A, p.Ser54Asn (NM_016430.4); c.311G>A, p.Ser104Asn (NM_153681.2); short protein forms S104N, S54N, S80N.
Identifiers: ClinVar variation 1412330 (VCV001412330.5), dbSNP rs114319840, ClinGen allele CA10021068.
Genomic context (GRCh38, chr21:37,067,297, plus strand): 5'-GCACTTTCCTTTTATATAAAGTTACCTGTGATTGTATGGATGGAGTCGAGTGGAGAGGTA[C>T]TCATCATGTTAATCCCAAACAAGAGCACGTAGCCAATTACTATAGCAATAAGGAGGTAGA-3'
Protein context (NP_710149.1, residues 70-90): YVLLFGINMM[Ser80Asn]TSPLDSIHTI

ClinVar aggregate classification (germline): Uncertain significance (1 of 4 stars; one submission).

Allele frequency attached by ClinVar (database versions not stated): gnomAD 0.00001 and 0.00003; TOPMed 0.00001; gnomAD exomes 0.00003 and 0.00009; ExAC 0.00005; 1000 Genomes Project 30x 0.00031; 1000 Genomes Project 0.00040.
gnomAD v4.1: 129 of 1,608,402 alleles (0.008%); highest among the groups gnomAD compares: East Asian, 0.28%; 1 homozygote.

Submission:

Labcorp Genetics (formerly Invitae), Labcorp
Classification: Uncertain significance. Last evaluated: 2022-07-26. Review status: criteria provided, single submitter. Criteria: Invitae Variant Classification Sherloc (09022015). Collection method: clinical testing. Allele origin: germline.
Comment: This sequence change replaces serine, which is neutral and polar, with asparagine, which is neutral and polar, at codon 104 of the PIGP protein (p.Ser104Asn). This variant is present in population databases (rs114319840, gnomAD 0.04%). This variant has not been reported in the literature in individuals affected with PIGP-related conditions. ClinVar contains an entry for this variant (Variation ID: 1412330). Algorithms developed to predict the effect of missense changes on protein structure and function output the following: SIFT: "Tolerated"; PolyPhen-2: "Benign"; Align-GVGD: "Class C0". The asparagine amino acid residue is found in multiple mammalian species, which suggests that this missense change does not adversely affect protein function. In summary, the available evidence is currently insufficient to determine the role of this variant in disease. Therefore, it has been classified as a Variant of Uncertain Significance.